The following is an entry in ClinVar:

ClinVar aggregate classification (germline): Uncertain significance. Review status: criteria provided, multiple submitters, no conflicts (2 of 4 stars). 4 submissions from 4 submitters: Uncertain significance (4). Last evaluated 2026-03-23.

Conditions:
DIAPH3-related disorder. Also called: DIAPH3-related condition.

Allele frequency attached by ClinVar (database versions not stated): gnomAD exomes 0.00007 and 0.00013; ExAC 0.00008; TOPMed 0.00010; gnomAD 0.00011 and 0.00013; ESP Exome Variant Server 0.00017.
gnomAD v4.1: 208 of 1,613,524 alleles (0.013%); highest among the groups gnomAD compares: Non-Finnish European, 0.016%; no homozygotes.

Submissions (4):

PreventionGenetics, part of Exact Sciences
Classification: Uncertain significance for DIAPH3-related condition. Last evaluated: 2026-03-23. Review status: criteria provided, single submitter. Criteria: ACMG Guidelines, 2015. Collection method: clinical testing. Allele origin: germline.
Comment: The DIAPH3 c.686T>C variant is predicted to result in the amino acid substitution p.Leu229Pro. To our knowledge, this variant has not been reported in the literature. This variant is reported in 0.012% of alleles in individuals of European (Non-Finnish) descent in gnomAD. At this time, the clinical significance of this variant is uncertain due to the absence of conclusive functional and genetic evidence.

GeneDx
Classification: Uncertain significance. Last evaluated: 2025-11-11. Review status: criteria provided, single submitter. Criteria: GeneDx Variant Classification Process June 2021. Collection method: clinical testing. Allele origin: germline. Affected: yes.
Comment: In silico analysis supports that this missense variant has a deleterious effect on protein structure/function; Has not been previously published as pathogenic or benign to our knowledge; Variants in candidate genes are classified as variants of uncertain significance in accordance with ACMG guidelines (PMID: 25741868)

Ambry Genetics
Classification: Uncertain significance. Last evaluated: 2025-07-01. Review status: criteria provided, single submitter. Criteria: Ambry Variant Classification Scheme 2023. Collection method: clinical testing. Allele origin: germline.

Labcorp Genetics (formerly Invitae), Labcorp
Classification: Uncertain significance. Last evaluated: 2024-10-23. Review status: criteria provided, single submitter. Criteria: Invitae Variant Classification Sherloc (09022015). Collection method: clinical testing. Allele origin: germline.
Comment: This sequence change replaces leucine, which is neutral and non-polar, with proline, which is neutral and non-polar, at codon 229 of the DIAPH3 protein (p.Leu229Pro). This variant is present in population databases (rs201688909, gnomAD 0.01%). This variant has not been reported in the literature in individuals affected with DIAPH3-related conditions. ClinVar contains an entry for this variant (Variation ID: 1215569). An algorithm developed to predict the effect of missense changes on protein structure and function (PolyPhen-2) suggests that this variant is likely to be disruptive. In summary, the available evidence is currently insufficient to determine the role of this variant in disease. Therefore, it has been classified as a Variant of Uncertain Significance.

NM_001042517.2(DIAPH3):c.686T>C (p.Leu229Pro)

Genes: DIAPH3 (diaphanous related formin 3; minus strand), DIAPH3-AS1 (DIAPH3 antisense RNA 1; plus strand). Cytogenetic location: 13q21.2.
Variant type: single nucleotide variant.
Coding change: c.686T>C on transcript NM_001042517.2 (MANE Select); coding-DNA position 686, T replaced by C.
Protein change: p.Leu229Pro; replaces leucine 229 with proline.
Molecular consequence: missense variant.
Genome position (GRCh38, 1-based): chr13:60,016,086, A>G on the plus strand (T>C on the coding strand, the complement: DIAPH3 is on the minus strand). VCF-style: chr13-60016086-A-G. GRCh37 (hg19) VCF-style: chr13-60590220-A-G.
Other names: c.653T>C, p.Leu218Pro (NM_001258366.2); c.548T>C, p.Leu183Pro (NM_001258367.2); c.476T>C, p.Leu159Pro (NM_001258368.2); c.686T>C, p.Leu229Pro (NM_001258369.2); short protein forms L159P, L183P, L218P, L229P.
Identifiers: ClinVar variation 1215569 (VCV001215569.12), dbSNP rs201688909, ClinGen allele CA6996930.
Genomic context (GRCh38, chr13:60,016,086, plus strand): 5'-CATATGAATGATGCTTACTTGAAAATAATTATTAGCAATACTTACATTTTTCCACTAATC[A>G]GTTTTTCCAAAATGTCTAATAATAATCCAAGCCCTTCATGTCCAAAGCTTTCCACCCAAC-3'
Protein context (NP_001035982.1, residues 219-239): LGLLLDILEK[Leu229Pro]ISGKIQEKVV